The following is an entry in ClinVar:

ClinVar aggregate classification (germline): Pathogenic/Likely pathogenic. Review status: criteria provided, multiple submitters, no conflicts (2 of 4 stars). 2 submissions from 2 submitters: Pathogenic (1); Likely pathogenic (1). Last evaluated 2026-03-01.

Conditions:
Spermatogenic failure 18. Identifiers: MedGen C4539783, MONDO:0054615, OMIM 617576.
Ciliary dyskinesia, primary, 37 (CILD37). Also called: CILIARY DYSKINESIA, PRIMARY, 37, WITH OR WITHOUT SITUS INVERSUS. Identifiers: MedGen C4539798, MONDO:0033204, OMIM 617577.

Allele frequency attached by ClinVar (database versions not stated): ExAC 0.00001; gnomAD 0.00002; gnomAD exomes 0.00002; TOPMed 0.00002.
gnomAD v4.1: 30 of 1,612,352 alleles (0.0019%); highest among the groups gnomAD compares: Non-Finnish European, 0.00076%; no homozygotes.

Submissions (2):

CeGaT Center for Human Genetics Tuebingen
Classification: Pathogenic. Last evaluated: 2026-03-01. Review status: criteria provided, single submitter. Criteria: CeGaT Center For Human Genetics Tuebingen Variant Classification Criteria Version 2. Collection method: clinical testing. Allele origin: germline. Affected: yes. Observed: 1 variant allele.
Comment: DNAH1: PVS1, PM2

Labcorp Genetics (formerly Invitae), Labcorp
Classification: Likely pathogenic for Ciliary dyskinesia, primary, 37; Spermatogenic failure 18. Last evaluated: 2025-01-27. Review status: criteria provided, single submitter. Criteria: Invitae Variant Classification Sherloc (09022015). Collection method: clinical testing. Allele origin: germline.
Comment: This sequence change affects a donor splice site in intron 65 of the DNAH1 gene. It is expected to disrupt RNA splicing. Variants that disrupt the donor or acceptor splice site typically lead to a loss of protein function (PMID: 16199547), and loss-of-function variants in DNAH1 are known to be pathogenic (PMID: 27573432, 27798045). This variant is present in population databases (rs768361045, gnomAD 0.07%). This variant has not been reported in the literature in individuals affected with DNAH1-related conditions. ClinVar contains an entry for this variant (Variation ID: 2934532). Algorithms developed to predict the effect of sequence changes on RNA splicing suggest that this variant may disrupt the consensus splice site. In summary, the currently available evidence indicates that the variant is pathogenic, but additional data are needed to prove that conclusively. Therefore, this variant has been classified as Likely Pathogenic.

Literature cited by the submitters: PubMed 16199547 (cited by Labcorp Genetics (formerly Invitae), Labcorp); PubMed 27573432 (cited by Labcorp Genetics (formerly Invitae), Labcorp); PubMed 27798045 (cited by Labcorp Genetics (formerly Invitae), Labcorp).

NM_015512.5(DNAH1):c.10474+1G>A

Gene: DNAH1 (dynein axonemal heavy chain 1; plus strand). Cytogenetic location: 3p21.1.
Variant type: single nucleotide variant.
Coding change: c.10474+1G>A on transcript NM_015512.5 (MANE Select); the canonical splice donor site of the intron after coding-DNA position 10474, G replaced by A.
Molecular consequence: splice donor variant.
Genome position (GRCh38, 1-based): chr3:52,393,026, G>A. VCF-style: chr3-52393026-G-A. GRCh37 (hg19) VCF-style: chr3-52427042-G-A.
Identifiers: ClinVar variation 2934532 (VCV002934532.9), dbSNP rs768361045, ClinGen allele CA2435843.